The following is an entry in ClinVar:

ClinVar aggregate classification (germline): Conflicting classifications of pathogenicity. Review status: criteria provided, conflicting classifications (1 of 4 stars). 3 submissions from 3 submitters: Uncertain significance (1); Benign (1); Likely benign (1). Last evaluated 2025-04-15.

Conditions:
Hereditary cancer-predisposing syndrome. Also called: Hereditary neoplastic syndrome; Hereditary Cancer Syndrome; Tumor predisposition; Neoplastic Syndromes, Hereditary. Identifiers: Orphanet 140162, MedGen C0027672, MeSH D009386, MONDO:0015356.
BAP1-related tumor predisposition syndrome (TPDS1). Also called: COMMON Syndrome; BAP1 tumor predisposition syndrome; TUMOR PREDISPOSITION SYNDROME 1; Tumor susceptibility linked to germline BAP1 mutations. Identifiers: Orphanet 289539, MedGen C3280492, MONDO:0013692, OMIM 614327.

Submissions (3):

Ambry Genetics
Classification: Uncertain significance for Hereditary cancer-predisposing syndrome. Last evaluated: 2025-04-15. Review status: criteria provided, single submitter. Criteria: Ambry Variant Classification Scheme 2023. Collection method: clinical testing. Allele origin: germline.
Comment: The c.1839G>T variant (also known as p.T613T), located in coding exon 14 of the BAP1 gene, results from a G to T substitution at nucleotide position 1839. This nucleotide substitution does not change the threonine at codon 613. This nucleotide position is poorly conserved in available vertebrate species. In silico splice site analysis for this alteration is inconclusive. Based on the available evidence, the clinical significance of this variant remains unclear.

Myriad Genetics, Inc.
Classification: Benign for BAP1-related tumor predisposition syndrome. Last evaluated: 2024-07-17. Review status: criteria provided, single submitter. Criteria: Myriad Autosomal Dominant, Autosomal Recessive and X-Linked Classification Criteria (2023). Collection method: clinical testing. Allele origin: unknown.
Comment: This variant is considered benign. This variant is a silent/synonymous amino acid change and it is not expected to impact splicing.

Labcorp Genetics (formerly Invitae), Labcorp
Classification: Likely benign for BAP1-related tumor predisposition syndrome. Last evaluated: 2023-07-10. Review status: criteria provided, single submitter. Criteria: Invitae Variant Classification Sherloc (09022015). Collection method: clinical testing. Allele origin: germline.

NM_004656.4(BAP1):c.1839G>T (p.Thr613=)

Gene: BAP1 (BRCA1 associated deubiquitinase 1; minus strand). Cytogenetic location: 3p21.1.
Variant type: single nucleotide variant.
Coding change: c.1839G>T on transcript NM_004656.4 (MANE Select); coding-DNA position 1839, G replaced by T.
Protein change: p.Thr613=; no amino-acid change (threonine 613 retained).
Molecular consequence: synonymous variant.
Genome position (GRCh38, 1-based): chr3:52,403,189, C>A on the plus strand (G>T on the coding strand, the complement: BAP1 is on the minus strand). VCF-style: chr3-52403189-C-A. GRCh37 (hg19) VCF-style: chr3-52437205-C-A.
Other names: c.1839G>T (NM_004656.2).
Identifiers: ClinVar variation 1127194 (VCV001127194.9), dbSNP rs756450018, ClinGen allele CA433885878.
Genomic context (GRCh38, chr3:52,403,189, plus strand): 5'-GAGGCTCACCTTGGGTGAGTATTTCTCCCCACTCAAGGGCTCGCCAGGCCTCACCATCCC[C>A]GTCTTCTCTCTGCTGTCCGTGGCTTCCACGACCTCCTTCTCCACTGGGCTGCTGGACCCC-3'
Protein context (NP_004647.1, residues 603-623): VVEATDSREK[Thr613=]GMVRPGEPLS